The following is an entry in ClinVar:

NM_004336.5(BUB1):c.1223T>C (p.Val408Ala)

Gene: BUB1 (BUB1 mitotic checkpoint serine/threonine kinase; minus strand). Cytogenetic location: 2q13.
Variant type: single nucleotide variant.
Coding change: c.1223T>C on transcript NM_004336.5 (MANE Select); coding-DNA position 1223, T replaced by C.
Protein change: p.Val408Ala; replaces valine 408 with alanine.
Molecular consequence: missense variant.
Genome position (GRCh38, 1-based): chr2:110,660,031, A>G on the plus strand (T>C on the coding strand, the complement: BUB1 is on the minus strand). VCF-style: chr2-110660031-A-G. GRCh37 (hg19) VCF-style: chr2-111417608-A-G.
Other names: c.1163T>C, p.Val388Ala (NM_001278616.2); c.1223T>C, p.Val408Ala (NM_001278617.2); short protein forms V408A, V388A.
Identifiers: ClinVar variation 1753702 (VCV001753702.5), dbSNP rs771087243, ClinGen allele CA1828129.

ClinVar aggregate classification (germline): Uncertain significance. Review status: criteria provided, multiple submitters, no conflicts (2 of 4 stars). 2 submissions from 2 submitters: Uncertain significance (2). Last evaluated 2025-10-21.

Allele frequency attached by ClinVar (database versions not stated): gnomAD 0.00002; gnomAD exomes 0.00002; TOPMed 0.00002; ExAC 0.00001.
gnomAD v4.1: 36 of 1,610,898 alleles (0.0022%); highest among the groups gnomAD compares: Admixed American, 0.0033%; no homozygotes.

Submissions (2):

Labcorp Genetics (formerly Invitae), Labcorp
Classification: Uncertain significance. Last evaluated: 2025-10-21. Review status: criteria provided, single submitter. Criteria: Invitae Variant Classification Sherloc (09022015). Collection method: clinical testing. Allele origin: germline.
Comment: This sequence change replaces valine, which is neutral and non-polar, with alanine, which is neutral and non-polar, at codon 408 of the BUB1 protein (p.Val408Ala). This variant is present in population databases (rs771087243, gnomAD 0.0009%). This variant has not been reported in the literature in individuals affected with BUB1-related conditions. ClinVar contains an entry for this variant (Variation ID: 1753702). Experimental studies and prediction algorithms are not available or were not evaluated, and the functional significance of this variant is currently unknown. In summary, the available evidence is currently insufficient to determine the role of this variant in disease. Therefore, it has been classified as a Variant of Uncertain Significance.

Ambry Genetics
Classification: Uncertain significance. Last evaluated: 2025-04-10. Review status: criteria provided, single submitter. Criteria: Ambry Variant Classification Scheme 2023. Collection method: clinical testing. Allele origin: germline.